The following is an entry in ClinVar:

NM_014629.4(ARHGEF10):c.2897T>G (p.Ile966Ser)

Gene: ARHGEF10 (Rho guanine nucleotide exchange factor 10; plus strand). Cytogenetic location: 8p23.3.
Variant type: single nucleotide variant.
Coding change: c.2897T>G on transcript NM_014629.4 (MANE Select); coding-DNA position 2897, T replaced by G.
Protein change: p.Ile966Ser; replaces isoleucine 966 with serine.
Molecular consequence: missense variant.
Genome position (GRCh38, 1-based): chr8:1,928,626, T>G. VCF-style: chr8-1928626-T-G. GRCh37 (hg19) VCF-style: chr8-1876792-T-G.
Other names: c.2783T>G, p.Ile928Ser (NM_001308152.2); c.2897T>G, p.Ile966Ser (NM_001308153.3); short protein forms I928S, I966S, I990S.
Identifiers: ClinVar variation 3771242 (VCV003771242.13).

ClinVar aggregate classification (germline): Uncertain significance (1 of 4 stars; one submission).

gnomAD v4.1: 1 of 1,613,990 alleles (0.000062%); highest among the groups gnomAD compares: Non-Finnish European, 0.000085%; no homozygotes.

Submission:

CeGaT Center for Human Genetics Tuebingen
Classification: Uncertain significance. Last evaluated: 2025-01-01. Review status: criteria provided, single submitter. Criteria: CeGaT Center For Human Genetics Tuebingen Variant Classification Criteria Version 2. Collection method: clinical testing. Allele origin: germline. Affected: yes. Observed: 1 variant allele.
Comment: ARHGEF10: PM2